The following is an entry in ClinVar:

ClinVar aggregate classification (germline): Uncertain significance (1 of 4 stars; one submission).

gnomAD v4.1: 4 of 1,492,820 alleles (0.00027%); highest among the groups gnomAD compares: Non-Finnish European, 0.00036%; no homozygotes.

Submission:

Labcorp Genetics (formerly Invitae), Labcorp
Classification: Uncertain significance. Last evaluated: 2022-10-25. Review status: criteria provided, single submitter. Criteria: Invitae Variant Classification Sherloc (09022015). Collection method: clinical testing. Allele origin: germline.
Comment: This sequence change replaces arginine, which is basic and polar, with glycine, which is neutral and non-polar, at codon 3226 of the SRCAP protein (p.Arg3226Gly). This variant is present in population databases (no rsID available, gnomAD 0.003%). This variant has not been reported in the literature in individuals affected with SRCAP-related conditions. Advanced modeling of protein sequence and biophysical properties (such as structural, functional, and spatial information, amino acid conservation, physicochemical variation, residue mobility, and thermodynamic stability) performed at Invitae indicates that this missense variant is not expected to disrupt SRCAP protein function. In summary, the available evidence is currently insufficient to determine the role of this variant in disease. Therefore, it has been classified as a Variant of Uncertain Significance.

NM_006662.3(SRCAP):c.9676C>G (p.Arg3226Gly)

Gene: SRCAP (Snf2 related CREBBP activator protein; plus strand). Cytogenetic location: 16p11.2.
Variant type: single nucleotide variant.
Coding change: c.9676C>G on transcript NM_006662.3 (MANE Select); coding-DNA position 9676, C replaced by G.
Protein change: p.Arg3226Gly; replaces arginine 3226 with glycine.
Molecular consequence: missense variant.
Genome position (GRCh38, 1-based): chr16:30,739,716, C>G. VCF-style: chr16-30739716-C-G. GRCh37 (hg19) VCF-style: chr16-30751037-C-G.
Other names: short protein forms R3226G.
Identifiers: ClinVar variation 2903368 (VCV002903368.3), dbSNP rs746006737, ClinGen allele CA395645422.